The following is an entry in ClinVar:

ClinVar aggregate classification (germline): Likely pathogenic (1 of 4 stars; one submission).

Conditions:
Peutz-Jeghers syndrome (PJS). Also called: POLYPOSIS, HAMARTOMATOUS INTESTINAL; POLYPS-AND-SPOTS SYNDROME; Peutz-Jeghers polyposis; Periorificial lentiginosis syndrome. Identifiers: Orphanet 2869, MedGen C0031269, MeSH D010580, MONDO:0008280, OMIM 175200.

Submission:

Labcorp Genetics (formerly Invitae), Labcorp
Classification: Likely pathogenic for Peutz-Jeghers syndrome. Last evaluated: 2021-06-03. Review status: criteria provided, single submitter. Criteria: Invitae Variant Classification Sherloc (09022015). Collection method: clinical testing. Allele origin: germline.
Comment: In summary, the currently available evidence indicates that the variant is pathogenic, but additional data are needed to prove that conclusively. Therefore, this variant has been classified as Likely Pathogenic. This variant disrupts the p.Met136 amino acid residue in STK11. Other variant(s) that disrupt this residue have been determined to be pathogenic (Invitae). This suggests that this residue is clinically significant, and that variants that disrupt this residue are likely to be disease-causing. Deletion of exon 3 has been observed in individual(s) with clinical features of Peutz-Jeghers syndrome (PMID: 23399955, 24304607, 24652667). This variant is a gross deletion of the genomic region encompassing exon(s) 3 of the STK11 gene. This variant would be expected to be in-frame, preserving the integrity of the reading frame.

Literature cited by the submitters: PubMed 23399955; PubMed 24304607; PubMed 24652667.

NC_000019.9:g.(?_1219313)_(1219422_?)del

Gene: STK11 (serine/threonine kinase 11; plus strand). Cytogenetic location: 19p13.3.
Variant type: Deletion.
Identifiers: ClinVar variation 1497769 (VCV001497769.6).